The following is an entry in ClinVar:

ClinVar aggregate classification (germline): Uncertain significance (1 of 4 stars; one submission).

Conditions:
Mosaic variegated aneuploidy syndrome 2 (MVA2). Identifiers: Orphanet 1052, MedGen C3279843, MONDO:0013582, OMIM 614114.

Submission:

Labcorp Genetics (formerly Invitae), Labcorp
Classification: Uncertain significance for Mosaic variegated aneuploidy syndrome 2. Last evaluated: 2021-09-03. Review status: criteria provided, single submitter. Criteria: Invitae Variant Classification Sherloc (09022015). Collection method: clinical testing. Allele origin: germline.
Comment: In summary, the available evidence is currently insufficient to determine the role of this variant in disease. Therefore, it has been classified as a Variant of Uncertain Significance. Experimental studies and prediction algorithms are not available or were not evaluated, and the functional significance of this variant is currently unknown. This variant has not been reported in the literature in individuals affected with CEP57-related conditions. This variant is not present in population databases (ExAC no frequency). This sequence change creates a premature translational stop signal (p.Arg474Ilefs*5) in the CEP57 gene. While this is not anticipated to result in nonsense mediated decay, it is expected to disrupt the last 27 amino acid(s) of the CEP57 protein.

NM_014679.5(CEP57):c.1421_1430del (p.Arg474fs)

Gene: CEP57 (centrosomal protein 57; plus strand). Cytogenetic location: 11q21.
Variant type: Microsatellite.
Coding change: c.1421_1430del on transcript NM_014679.5 (MANE Select); coding-DNA positions 1421 to 1430, 10 bases deleted (GGAGAAAAAA; older notation c.1421_1430delGGAGAAAAAA).
Protein change: p.Arg474fs; shifts the reading frame from arginine 474.
Molecular consequence: frameshift variant.
Genome position (GRCh38, 1-based): chr11:95,831,174-95,831,183, GGAGAAAAAA deleted; deleting any 10 consecutive bases within chr11:95,831,164-95,831,183 gives the same sequence; the c. name uses the placement nearest the transcript's 3' end. VCF-style (leftmost placement, unchanged base first): chr11-95831163-TGGAGAAAAAA-T. GRCh37 (hg19) VCF-style: chr11-95564327-TGGAGAAAAAA-T.
Other names: c.1394_1403del, p.Arg465fs (NM_001243776.2); c.1343_1352del, p.Arg448fs (NM_001243777.2); c.1340_1349del, p.Arg447fs (NM_001363604.2); short protein forms R447fs, R465fs, R474fs, R448fs.
Identifiers: ClinVar variation 1477492 (VCV001477492.6), dbSNP rs1477051347, ClinGen allele CA682186238.